The following is an entry in ClinVar:

ClinVar aggregate classification (germline): Uncertain significance (1 of 4 stars; one submission).

Conditions:
Peroxisome biogenesis disorder. Identifiers: Orphanet 79189, MedGen C1832200, MONDO:0019234. Disease mechanism: loss of function.

Allele frequency attached by ClinVar (database versions not stated): gnomAD exomes below 0.00001.

Submission:

Labcorp Genetics (formerly Invitae), Labcorp
Classification: Uncertain significance for Peroxisome biogenesis disorder. Last evaluated: 2022-10-14. Review status: criteria provided, single submitter. Criteria: Invitae Variant Classification Sherloc (09022015). Collection method: clinical testing. Allele origin: germline.
Comment: This sequence change replaces proline, which is neutral and non-polar, with serine, which is neutral and polar, at codon 69 of the PEX6 protein (p.Pro69Ser). This variant is not present in population databases (gnomAD no frequency). This variant has not been reported in the literature in individuals affected with PEX6-related conditions. Algorithms developed to predict the effect of missense changes on protein structure and function are either unavailable or do not agree on the potential impact of this missense change (SIFT: "Tolerated"; PolyPhen-2: "Possibly Damaging"; Align-GVGD: "Class C0"). In summary, the available evidence is currently insufficient to determine the role of this variant in disease. Therefore, it has been classified as a Variant of Uncertain Significance.

NM_000287.4(PEX6):c.205C>T (p.Pro69Ser)

Gene: PEX6 (peroxisomal biogenesis factor 6; minus strand). Cytogenetic location: 6p21.1.
Variant type: single nucleotide variant.
Coding change: c.205C>T on transcript NM_000287.4 (MANE Select); coding-DNA position 205, C replaced by T.
Protein change: p.Pro69Ser; replaces proline 69 with serine.
Molecular consequence: missense variant. On other transcripts: non-coding transcript variant (1).
Genome position (GRCh38, 1-based): chr6:42,978,946, G>A on the plus strand (C>T on the coding strand, the complement: PEX6 is on the minus strand). VCF-style: chr6-42978946-G-A. GRCh37 (hg19) VCF-style: chr6-42946684-G-A.
Other names: c.205C>T, p.Pro69Ser (NM_001316313.2); short protein forms P69S.
Identifiers: ClinVar variation 2065307 (VCV002065307.1), dbSNP rs2481282393, ClinGen allele CA364168182.
Genomic context (GRCh38, chr6:42,978,946, plus strand): 5'-CGGAGCCCAGTGCCAGGAGCCGCAGCAGCGCGCGGCTAACCAGTAGCTGCGGCGGCCCGG[G>A]ACCCTGCTCTTCGGTGCCCGCGTCCGGCCCCTCCAGGGCTGCCACCAGCAGCGCCGGCCC-3'
Protein context (NP_000278.3, residues 59-79): GPDAGTEEQG[Pro69Ser]GPPQLLVSRA